The following is an entry in ClinVar:

NM_001165963.4(SCN1A):c.2847del (p.Cys949fs)

Gene: SCN1A (sodium voltage-gated channel alpha subunit 1; minus strand). Cytogenetic location: 2q24.3.
Variant type: Deletion.
Coding change: c.2847del on transcript NM_001165963.4 (MANE Select); coding-DNA position 2847, one base deleted (T; older notation c.2847delT).
Protein change: p.Cys949fs; shifts the reading frame from cysteine 949.
Molecular consequence: frameshift variant. On other transcripts: non-coding transcript variant (1).
Genome position (GRCh38, 1-based): chr2:166,037,875, A deleted on the plus strand (T on the coding strand, the reverse complement: SCN1A is on the minus strand). VCF-style (leftmost placement, unchanged base first): chr2-166037874-CA-C. GRCh37 (hg19) VCF-style: chr2-166894384-CA-C.
Other names: c.2763del, p.Cys921fs (NM_001165964.3, NM_001353957.2, NM_001353958.2); c.2847del, p.Cys949fs (NM_001202435.3, NM_001353948.2); c.2814del, p.Cys938fs (NM_001353949.2, NM_001353950.2, NM_001353951.2 and 2 more transcripts); c.2811del, p.Cys937fs (NM_001353954.2, NM_001353955.2); c.2760del, p.Cys920fs (NM_001353960.2); c.405del, p.Cys135fs (NM_001353961.2); short protein forms C135fs, C920fs, C921fs, C937fs, C938fs, C949fs.
Identifiers: ClinVar variation 2583142 (VCV002583142.1), dbSNP rs2468096330, ClinGen allele CA2582342022.

ClinVar aggregate classification (germline): Likely pathogenic (1 of 4 stars; one submission).

Conditions:
Severe myoclonic epilepsy in infancy (DRVT). Also called: Dravet syndrome; SEVERE MYOCLONIC EPILEPSY OF INFANCY; DEVELOPMENTAL AND EPILEPTIC ENCEPHALOPATHY 6A; Severe Myoclonic Epilepsy in Infancy (SMEI); Epileptic encephalopathy, early infantile, 6 (Dravet syndrome). Identifiers: Orphanet 33069, MedGen C0751122, MONDO:0100135, OMIM 607208.

Submission:

Human Genetics Bochum, Ruhr University Bochum
Classification: Likely pathogenic for Severe myoclonic epilepsy in infancy. Last evaluated: 2023-03-14. Review status: criteria provided, single submitter. Criteria: ACMG Guidelines, 2015. Collection method: clinical testing. Allele origin: germline. Affected: yes.
Comment: ACMG criteria used to clasify this variant: PVS1, PM2_SUP